The following is an entry in ClinVar:

ClinVar aggregate classification (germline): Uncertain significance (1 of 4 stars; one submission).

Submission:

GeneDx
Classification: Uncertain significance. Last evaluated: 2024-06-26. Review status: criteria provided, single submitter. Criteria: GeneDx Variant Classification Process June 2021. Collection method: clinical testing. Allele origin: germline.
Comment: Not observed at significant frequency in large population cohorts (gnomAD); In silico analysis supports that this missense variant has a deleterious effect on protein structure/function; Has not been previously published as pathogenic or benign to our knowledge

NM_000719.7(CACNA1C):c.728G>A (p.Arg243His)

Gene: CACNA1C (calcium voltage-gated channel subunit alpha1 C; plus strand). Cytogenetic location: 12p13.33.
Variant type: single nucleotide variant.
Coding change: c.728G>A on transcript NM_000719.7 (MANE Select); coding-DNA position 728, G replaced by A.
Protein change: p.Arg243His; replaces arginine 243 with histidine.
Molecular consequence: missense variant.
Genome position (GRCh38, 1-based): chr12:2,457,677, G>A. VCF-style: chr12-2457677-G-A. GRCh37 (hg19) VCF-style: chr12-2566843-G-A.
Other names: c.728G>A, p.Arg243His (NM_001129827.2, NM_001129829.2, NM_001129830.3 and 19 more transcripts); short protein forms R243H.
Identifiers: ClinVar variation 2577572 (VCV002577572.2), dbSNP rs2497869130, ClinGen allele CA383367854.
Genomic context (GRCh38, chr12:2,457,677, plus strand): 5'-CTCTCGGAGGGAAAGGGGCCGGATTTGATGTGAAGGCGCTGAGGGCCTTCCGCGTGCTGC[G>A]CCCCCTGCGGCTGGTGTCCGGAGTCCCAAGTAAGTGAAGCCCGTTCTTGTGTACAGTGTT-3'
Protein context (NP_000710.5, residues 233-253): VKALRAFRVL[Arg243His]PLRLVSGVPS